The following is an entry in ClinVar:

NM_198060.4(NRAP):c.1632+1G>A

Gene: NRAP (nebulin related anchoring protein; minus strand). Cytogenetic location: 10q25.3.
Variant type: single nucleotide variant.
Coding change: c.1632+1G>A on transcript NM_198060.4 (MANE Select); the canonical splice donor site of the intron after coding-DNA position 1632, G replaced by A.
Molecular consequence: splice donor variant.
Genome position (GRCh38, 1-based): chr10:113,633,083, C>T on the plus strand (G>A on the coding strand, the complement: NRAP is on the minus strand). VCF-style: chr10-113633083-C-T. GRCh37 (hg19) VCF-style: chr10-115392842-C-T.
Other names: c.1527+1G>A (NM_006175.5); c.1632+1G>A (NM_001322945.2, NM_001261463.2).
Identifiers: ClinVar variation 4820493 (VCV004820493.1).

ClinVar aggregate classification (germline): Uncertain significance (1 of 4 stars; one submission).

Conditions:
Cardiovascular phenotype. Identifiers: MedGen CN230736.

Submission:

Molecular Diagnostic Laboratory for Inherited Cardiovascular Disease, Montreal Heart Institute
Classification: Uncertain significance for Cardiovascular phenotype. Last evaluated: 2026-03-27. Review status: criteria provided, single submitter. Criteria: ACMG Guidelines, 2015. Collection method: clinical testing. Allele origin: germline. Affected: yes.
Comment: PVS1_mod, PM2